The following is an entry in ClinVar:

ClinVar aggregate classification (germline): Conflicting classifications of pathogenicity. Review status: criteria provided, conflicting classifications (1 of 4 stars). 7 submissions from 7 submitters: Uncertain significance (5); Likely benign (2). Last evaluated 2026-07-08.

Conditions:
SMARCA4-related disorder. Also called: SMARCA4-related condition.
Hereditary cancer-predisposing syndrome. Also called: Hereditary Cancer Syndrome; Tumor predisposition; Hereditary neoplastic syndrome; Neoplastic Syndromes, Hereditary. Identifiers: Orphanet 140162, MedGen C0027672, MeSH D009386, MONDO:0015356.
Intellectual disability, autosomal dominant 16 (CSS4). Also called: COFFIN-SIRIS SYNDROME 4. Identifiers: Orphanet 1465, MedGen C3553249, MONDO:0013821, OMIM 614609.
Rhabdoid tumor predisposition syndrome 2 (RTPS2). Identifiers: Orphanet 231108, Orphanet 69077, MedGen C2750074, MONDO:0013224, OMIM 613325.

Allele frequency attached by ClinVar (database versions not stated): gnomAD 0.00002; gnomAD exomes 0.00010 and 0.00002; TOPMed 0.00004; ESP Exome Variant Server 0.00008; ExAC 0.00004.
gnomAD v4.1: 149 of 1,613,822 alleles (0.0092%); highest among the groups gnomAD compares: Non-Finnish European, 0.012%; no homozygotes.

Submissions (7):

Myriad Genetics, Inc.
Classification: Likely benign for Rhabdoid tumor predisposition syndrome 2. Last evaluated: 2026-07-08. Review status: criteria provided, single submitter. Criteria: Myriad Autosomal Dominant, Autosomal Recessive and X-Linked Classification Criteria (2023). Collection method: clinical testing. Allele origin: unknown.
Comment: This variant is considered likely benign. This variant has been observed at a population frequency that is significantly greater than expected given the associated disease prevalence and penetrance.

Labcorp Genetics (formerly Invitae), Labcorp
Classification: Uncertain significance for Rhabdoid tumor predisposition syndrome 2. Last evaluated: 2026-01-19. Review status: criteria provided, single submitter. Criteria: Invitae Variant Classification Sherloc (09022015). Collection method: clinical testing. Allele origin: germline.
Comment: This sequence change replaces serine, which is neutral and polar, with phenylalanine, which is neutral and non-polar, at codon 1620 of the SMARCA4 protein (p.Ser1620Phe). This variant is present in population databases (rs373858447, gnomAD 0.006%). This variant has not been reported in the literature in individuals affected with SMARCA4-related conditions. ClinVar contains an entry for this variant (Variation ID: 238490). Invitae Evidence Modeling of protein sequence and biophysical properties (such as structural, functional, and spatial information, amino acid conservation, physicochemical variation, residue mobility, and thermodynamic stability) has been performed for this missense variant. However, the output from this modeling did not meet the statistical confidence thresholds required to predict the impact of this variant on SMARCA4 protein function. In summary, the available evidence is currently insufficient to determine the role of this variant in disease. Therefore, it has been classified as a Variant of Uncertain Significance.

GeneDx
Classification: Uncertain significance. Last evaluated: 2025-01-03. Review status: criteria provided, single submitter. Criteria: GeneDx Variant Classification Process June 2021. Collection method: clinical testing. Allele origin: germline.
Comment: Identified in an individual referred for hereditary breast and ovarian cancer (HBOC) testing (PMID: 38136308); In silico analysis indicates that this missense variant does not alter protein structure/function; This variant is associated with the following publications: (PMID: 38136308)

Quest Diagnostics Nichols Institute San Juan Capistrano
Classification: Uncertain significance. Last evaluated: 2024-08-27. Review status: criteria provided, single submitter. Criteria: Quest Diagnostics criteria. Collection method: clinical testing. Allele origin: unknown.
Comment: The SMARCA4 c.4859C>T (p.Ser1620Phe) variant has been only briefly reported in the published literature in an individual who met NCCN genetic testing criteria for HBOC (PMID: 38136308 (2023)). The frequency of this variant in the general population, 0.000055 (7/126878 chromosomes (Genome Aggregation Database)), is uninformative in the assessment of its pathogenicity. Analysis of this variant using bioinformatics tools for the prediction of the effect of amino acid changes on protein structure and function yielded predictions that this variant is benign. Based on the available information, we are unable to determine the clinical significance of this variant.

PreventionGenetics, part of Exact Sciences
Classification: Uncertain significance for SMARCA4-related condition. Last evaluated: 2023-06-22. Review status: criteria provided, single submitter. Criteria: ACMG Guidelines, 2015. Collection method: clinical testing. Allele origin: germline.
Comment: The SMARCA4 c.4859C>T variant is predicted to result in the amino acid substitution p.Ser1620Phe. To our knowledge, this variant has not been reported in the literature. This variant is reported in 0.0055% of alleles in individuals of European (Non-Finnish) descent in gnomAD and has conflicting interpretations of likely benign and uncertain in ClinVar. At this time, the clinical significance of this variant is uncertain due to the absence of conclusive functional and genetic evidence.

Genome-Nilou Lab
Classification: Uncertain significance for Intellectual disability, autosomal dominant 16. Last evaluated: 2021-07-15. Review status: criteria provided, single submitter. Criteria: ACMG Guidelines, 2015. Collection method: clinical testing. Allele origin: germline. Affected: no.

Ambry Genetics
Classification: Likely benign for Hereditary cancer-predisposing syndrome. Last evaluated: 2020-06-22. Review status: criteria provided, single submitter. Criteria: Ambry Variant Classification Scheme 2023. Collection method: clinical testing. Allele origin: germline.

Literature cited by the submitters: PubMed 34593967 (cited by Quest Diagnostics Nichols Institute San Juan Capistrano); PubMed 38136308 (cited by Quest Diagnostics Nichols Institute San Juan Capistrano).

NM_003072.5(SMARCA4):c.4763C>T (p.Ser1588Phe)

Gene: SMARCA4 (SWI/SNF related BAF chromatin remodeling complex subunit ATPase 4; plus strand). Cytogenetic location: 19p13.2.
Variant type: single nucleotide variant.
Coding change: c.4763C>T on transcript NM_003072.5 (MANE Select); coding-DNA position 4763, C replaced by T.
Protein change: p.Ser1588Phe; replaces serine 1588 with phenylalanine.
Molecular consequence: missense variant. On other transcripts: non-coding transcript variant (1).
Genome position (GRCh38, 1-based): chr19:11,059,880, C>T. VCF-style: chr19-11059880-C-T. GRCh37 (hg19) VCF-style: chr19-11170556-C-T.
Other names: c.4763C>T, p.Ser1588Phe (NM_001128844.3); c.4673C>T, p.Ser1558Phe (NM_001128845.2); c.4670C>T, p.Ser1557Phe (NM_001128846.2); c.4664C>T, p.Ser1555Phe (NM_001128847.4, NM_001374457.1); c.4661C>T, p.Ser1554Phe (NM_001128848.2); c.4859C>T, p.Ser1620Phe (NM_001128849.3, NM_001387283.1); short protein forms S1620F, S1558F, S1554F, S1557F, S1555F, S1588F.
Identifiers: ClinVar variation 238490 (VCV000238490.21), dbSNP rs373858447, ClinGen allele CA9204840.